The following is an entry in ClinVar:

ClinVar aggregate classification (germline): Pathogenic (1 of 4 stars; one submission).

Conditions:
Glycine encephalopathy. Also called: Nonketotic hyperglycinemia; Non-ketotic hyperglycinemia. Identifiers: Orphanet 407, MedGen C0751748, MONDO:0011612, HP:0008288.

Submission:

Labcorp Genetics (formerly Invitae), Labcorp
Classification: Pathogenic for Glycine encephalopathy. Last evaluated: 2022-10-27. Review status: criteria provided, single submitter. Criteria: Invitae Variant Classification Sherloc (09022015). Collection method: clinical testing. Allele origin: germline.
Comment: For these reasons, this variant has been classified as Pathogenic. This variant has not been reported in the literature in individuals affected with GLDC-related conditions. This variant is not present in population databases (gnomAD no frequency). This sequence change creates a premature translational stop signal (p.Ala931Leufs*15) in the GLDC gene. It is expected to result in an absent or disrupted protein product. Loss-of-function variants in GLDC are known to be pathogenic (PMID: 16601880).

Literature cited by the submitters: PubMed 16601880.

NM_000170.3(GLDC):c.2791del (p.Ala931fs)

Gene: GLDC (glycine decarboxylase; minus strand). Cytogenetic location: 9p24.1.
Variant type: Deletion.
Coding change: c.2791del on transcript NM_000170.3 (MANE Select); coding-DNA position 2791, one base deleted (G; older notation c.2791delG).
Protein change: p.Ala931fs; shifts the reading frame from alanine 931.
Molecular consequence: frameshift variant.
Genome position (GRCh38, 1-based): chr9:6,536,111, C deleted on the plus strand (G on the coding strand, the reverse complement: GLDC is on the minus strand). VCF-style (leftmost placement, unchanged base first): chr9-6536110-GC-G. GRCh37 (hg19) VCF-style: chr9-6536110-GC-G.
Other names: short protein forms A931fs.
Identifiers: ClinVar variation 2810000 (VCV002810000.3), dbSNP rs2489011352, ClinGen allele CA2739269141.
Genomic context (GRCh38, chr9:6,536,110, plus strand): 5'-CAGGGCCTACGCACCTTCAGCGGATTGACCCTGGGGTCGATGCGGCCCTCCTCAATGTCA[GC>G]AATTTCCTGCCGAATGCTGATCATGGCATCACAGAATCTGTCCAGCTCTGCCTTGTCCTC-3'